The following is an entry in ClinVar:

ClinVar aggregate classification (germline): Uncertain significance (1 of 4 stars; one submission).

Conditions:
Tuberous sclerosis 1 (TSC1). Identifiers: Orphanet 805, MedGen C1854465, MONDO:0008612, OMIM 191100.

gnomAD v4.1: 1 of 1,614,198 alleles (0.000062%); highest among the groups gnomAD compares: African/African-American, 0.0013%; no homozygotes.

Submission:

Labcorp Genetics (formerly Invitae), Labcorp
Classification: Uncertain significance for Tuberous sclerosis 1. Last evaluated: 2024-07-03. Review status: criteria provided, single submitter. Criteria: Invitae Variant Classification Sherloc (09022015). Collection method: clinical testing. Allele origin: germline.
Comment: This sequence change replaces threonine, which is neutral and polar, with alanine, which is neutral and non-polar, at codon 235 of the TSC1 protein (p.Thr235Ala). This variant is not present in population databases (gnomAD no frequency). This variant has not been reported in the literature in individuals affected with TSC1-related conditions. Advanced modeling of protein sequence and biophysical properties (such as structural, functional, and spatial information, amino acid conservation, physicochemical variation, residue mobility, and thermodynamic stability) performed at Invitae indicates that this missense variant is not expected to disrupt TSC1 protein function with a negative predictive value of 95%. In summary, the available evidence is currently insufficient to determine the role of this variant in disease. Therefore, it has been classified as a Variant of Uncertain Significance.

NM_000368.5(TSC1):c.703A>G (p.Thr235Ala)

Gene: TSC1 (TSC complex subunit 1; minus strand). Cytogenetic location: 9q34.13.
Variant type: single nucleotide variant.
Coding change: c.703A>G on transcript NM_000368.5 (MANE Select); coding-DNA position 703, A replaced by G.
Protein change: p.Thr235Ala; replaces threonine 235 with alanine.
Molecular consequence: missense variant. On other transcripts: 5 prime UTR variant (1), non-coding transcript variant (5), intron variant (4).
Genome position (GRCh38, 1-based): chr9:132,921,397, T>C on the plus strand (A>G on the coding strand, the complement: TSC1 is on the minus strand). VCF-style: chr9-132921397-T-C. GRCh37 (hg19) VCF-style: chr9-135796784-T-C.
Other names: c.703A>G, p.Thr235Ala (NM_001406607.1, NM_001406608.1, NM_001406609.1 and 16 more transcripts); c.550A>G, p.Thr184Ala (NM_001406610.1, NM_001406611.1, NM_001406612.1 and 2 more transcripts); c.340A>G, p.Thr114Ala (NM_001406614.1, NM_001406615.1, NM_001406616.1 and 10 more transcripts); c.-391A>G (NM_001406630.1); c.-215+422A>G (NM_001406627.1, NM_001406628.1, NM_001406626.1); c.-357+422A>G (NM_001406629.1); short protein forms T114A, T184A, T235A.
Identifiers: ClinVar variation 3626786 (VCV003626786.2).